The following is an entry in ClinVar:

ClinVar aggregate classification (germline): Uncertain significance (1 of 4 stars; one submission).

Conditions:
Schuurs-Hoeijmakers syndrome. Also called: PACS1-Related Neurodevelopmental Disorder. Identifiers: Orphanet 329224, MedGen C3554343, MONDO:0014006, OMIM 615009.

Allele frequency attached by ClinVar (database versions not stated): gnomAD exomes below 0.00001.
gnomAD v4.1: 1 of 1,612,566 alleles (0.000062%); highest among the groups gnomAD compares: Non-Finnish European, 0.000085%; no homozygotes.

Submission:

Labcorp Genetics (formerly Invitae), Labcorp
Classification: Uncertain significance for Schuurs-Hoeijmakers syndrome. Last evaluated: 2023-02-13. Review status: criteria provided, single submitter. Criteria: Invitae Variant Classification Sherloc (09022015). Collection method: clinical testing. Allele origin: germline.
Comment: In summary, the available evidence is currently insufficient to determine the role of this variant in disease. Therefore, it has been classified as a Variant of Uncertain Significance. Advanced modeling of protein sequence and biophysical properties (such as structural, functional, and spatial information, amino acid conservation, physicochemical variation, residue mobility, and thermodynamic stability) performed at Invitae indicates that this missense variant is not expected to disrupt PACS1 protein function. This variant has not been reported in the literature in individuals affected with PACS1-related conditions. This variant is not present in population databases (gnomAD no frequency). This sequence change replaces serine, which is neutral and polar, with phenylalanine, which is neutral and non-polar, at codon 595 of the PACS1 protein (p.Ser595Phe).

NM_018026.4(PACS1):c.1784C>T (p.Ser595Phe)

Gene: PACS1 (phosphofurin acidic cluster sorting protein 1; plus strand). Cytogenetic location: 11q13.2.
Variant type: single nucleotide variant.
Coding change: c.1784C>T on transcript NM_018026.4 (MANE Select); coding-DNA position 1784, C replaced by T.
Protein change: p.Ser595Phe; replaces serine 595 with phenylalanine.
Molecular consequence: missense variant.
Genome position (GRCh38, 1-based): chr11:66,233,012, C>T. VCF-style: chr11-66233012-C-T. GRCh37 (hg19) VCF-style: chr11-66000483-C-T.
Other names: short protein forms S595F.
Identifiers: ClinVar variation 2836770 (VCV002836770.3), dbSNP rs2495586474, ClinGen allele CA381370530.